The following is an entry in ClinVar:

ClinVar aggregate classification (germline): Uncertain significance (1 of 4 stars; one submission).

Conditions:
Chédiak-Higashi syndrome (CHS). Also called: Chediak-Higashi Syndrome. Identifiers: Orphanet 167, MedGen C0007965, MONDO:0008963, OMIM 214500.

Submission:

Labcorp Genetics (formerly Invitae), Labcorp
Classification: Uncertain significance for Chédiak-Higashi syndrome. Last evaluated: 2022-07-12. Review status: criteria provided, single submitter. Criteria: Invitae Variant Classification Sherloc (09022015). Collection method: clinical testing. Allele origin: germline.
Comment: This sequence change replaces proline, which is neutral and non-polar, with leucine, which is neutral and non-polar, at codon 2302 of the LYST protein (p.Pro2302Leu). This variant is not present in population databases (gnomAD no frequency). This variant has not been reported in the literature in individuals affected with LYST-related conditions. ClinVar contains an entry for this variant (Variation ID: 1056190). Algorithms developed to predict the effect of missense changes on protein structure and function output the following: SIFT: "Tolerated"; PolyPhen-2: "Benign"; Align-GVGD: "Class C0". The leucine amino acid residue is found in multiple mammalian species, which suggests that this missense change does not adversely affect protein function. In summary, the available evidence is currently insufficient to determine the role of this variant in disease. Therefore, it has been classified as a Variant of Uncertain Significance.

NM_000081.4(LYST):c.6905C>T (p.Pro2302Leu)

Gene: LYST (lysosomal trafficking regulator; minus strand). Cytogenetic location: 1q42.3.
Variant type: single nucleotide variant.
Coding change: c.6905C>T on transcript NM_000081.4 (MANE Select); coding-DNA position 6905, C replaced by T.
Protein change: p.Pro2302Leu; replaces proline 2302 with leucine.
Molecular consequence: missense variant.
Genome position (GRCh38, 1-based): chr1:235,757,435, G>A on the plus strand (C>T on the coding strand, the complement: LYST is on the minus strand). VCF-style: chr1-235757435-G-A. GRCh37 (hg19) VCF-style: chr1-235920735-G-A.
Other names: c.6905C>T, p.Pro2302Leu (NM_001301365.1); short protein forms P2302L.
Identifiers: ClinVar variation 1056190 (VCV001056190.5), dbSNP rs2527785877, ClinGen allele CA344937460.